The following is an entry in ClinVar:

NM_006389.5(HYOU1):c.2156C>T (p.Ser719Leu)

Gene: HYOU1 (hypoxia up-regulated 1; minus strand). Cytogenetic location: 11q23.3.
Variant type: single nucleotide variant.
Coding change: c.2156C>T on transcript NM_006389.5 (MANE Select); coding-DNA position 2156, C replaced by T.
Protein change: p.Ser719Leu; replaces serine 719 with leucine.
Molecular consequence: missense variant.
Genome position (GRCh38, 1-based): chr11:119,048,723, G>A on the plus strand (C>T on the coding strand, the complement: HYOU1 is on the minus strand). VCF-style: chr11-119048723-G-A. GRCh37 (hg19) VCF-style: chr11-118919435-G-A.
Other names: c.2156C>T, p.Ser719Leu (NM_001130991.3, NM_001411041.1); short protein forms S719L.
Identifiers: ClinVar variation 1962350 (VCV001962350.5), dbSNP rs1190985968, ClinGen allele CA382926448.

ClinVar aggregate classification (germline): Uncertain significance (1 of 4 stars; one submission).

Allele frequency attached by ClinVar (database versions not stated): gnomAD exomes below 0.00001; TOPMed 0.00001.

Submission:

Labcorp Genetics (formerly Invitae), Labcorp
Classification: Uncertain significance. Last evaluated: 2022-04-20. Review status: criteria provided, single submitter. Criteria: Invitae Variant Classification Sherloc (09022015). Collection method: clinical testing. Allele origin: germline.
Comment: In summary, the available evidence is currently insufficient to determine the role of this variant in disease. Therefore, it has been classified as a Variant of Uncertain Significance. Algorithms developed to predict the effect of missense changes on protein structure and function are either unavailable or do not agree on the potential impact of this missense change (SIFT: "Not Available"; PolyPhen-2: "Possibly Damaging"; Align-GVGD: "Not Available"). This variant has not been reported in the literature in individuals affected with HYOU1-related conditions. The frequency data for this variant in the population databases is considered unreliable, as metrics indicate poor data quality at this position in the gnomAD database. This sequence change replaces serine, which is neutral and polar, with leucine, which is neutral and non-polar, at codon 719 of the HYOU1 protein (p.Ser719Leu).